The following is an entry in ClinVar:

ClinVar aggregate classification (germline): Conflicting classifications of pathogenicity. Review status: criteria provided, conflicting classifications (1 of 4 stars). 5 submissions from 5 submitters: Uncertain significance (4); Likely benign (1). Last evaluated 2026-01-06.

Conditions:
Connective tissue disorder. Also called: Connective tissue disease. Identifiers: MedGen C0009782, MONDO:0003900.
Familial thoracic aortic aneurysm and aortic dissection (TAAD). Also called: Thoracic aortic aneurysms and dissections. Identifiers: Orphanet 91387, MedGen C4707243, MONDO:0019625.
Ehlers-Danlos syndrome, type 4 (EDSVASC). Also called: Ehlers-Danlos syndrome vascular type; Ehlers Danlos syndrome, ecchymotic type; Ehlers Danlos syndrome, arterial type; Ehlers Danlos syndrome, Sack-Barabas type; Ehlers-Danlos Syndrome Type IV. Identifiers: Orphanet 286, MedGen C0268338, MONDO:0017314, OMIM 130050.

Allele frequency attached by ClinVar (database versions not stated): gnomAD 0.00001; gnomAD exomes 0.00001 and 0.00002; ExAC 0.00002; TOPMed 0.00002.
gnomAD v4.1: 21 of 1,613,524 alleles (0.0013%); highest among the groups gnomAD compares: Admixed American, 0.012%; no homozygotes.

Submissions (5):

Labcorp Genetics (formerly Invitae), Labcorp
Classification: Uncertain significance for Ehlers-Danlos syndrome, type 4. Last evaluated: 2026-01-06. Review status: criteria provided, single submitter. Criteria: Invitae Variant Classification Sherloc (09022015). Collection method: clinical testing. Allele origin: germline.
Comment: This sequence change replaces proline, which is neutral and non-polar, with serine, which is neutral and polar, at codon 236 of the COL3A1 protein (p.Pro236Ser). This variant is present in population databases (rs771858477, gnomAD 0.009%). This variant has not been reported in the literature in individuals affected with COL3A1-related conditions. ClinVar contains an entry for this variant (Variation ID: 199713). Invitae Evidence Modeling of protein sequence and biophysical properties (such as structural, functional, and spatial information, amino acid conservation, physicochemical variation, residue mobility, and thermodynamic stability) indicates that this missense variant is not expected to disrupt COL3A1 protein function with a negative predictive value of 95%. In summary, the available evidence is currently insufficient to determine the role of this variant in disease. Therefore, it has been classified as a Variant of Uncertain Significance.

Color Diagnostics, LLC DBA Color Health
Classification: Uncertain significance for Familial thoracic aortic aneurysm and aortic dissection. Last evaluated: 2025-12-26. Review status: criteria provided, single submitter. Criteria: ACMG Guidelines, 2015. Collection method: clinical testing. Allele origin: germline.
Comment: This missense variant replaces proline with serine at codon 236 of the COL3A1 protein. Computational prediction tools and conservation analyses are inconclusive regarding the impact of this variant on the protein function. Computational splicing tools suggest that this variant may not impact RNA splicing. To our knowledge, functional assays have not been performed for this variant nor has this variant been reported in individuals affected with cardiovascular disorders in the literature. This variant has been identified in 6/250844 chromosomes in the general population by the Genome Aggregation Database (gnomAD). Available evidence is insufficient to determine the role of this variant in disease conclusively. Therefore, this variant is classified as a Variant of Uncertain Significance.

Center for Human Genetics, Inc
Classification: Likely benign for Connective tissue disorder. Last evaluated: 2016-11-01. Review status: criteria provided, single submitter. Criteria: ACMG Guidelines, 2015. Collection method: clinical testing. Allele origin: germline. Affected: yes.

Ambry Genetics
Classification: Uncertain significance for Familial thoracic aortic aneurysm and aortic dissection. Last evaluated: 2016-02-15. Review status: criteria provided, single submitter. Criteria: Ambry Variant Classification Scheme 2023. Collection method: clinical testing. Allele origin: germline.
Comment: The p.P236S variant (also known as c.706C>T), located in coding exon 9 of the COL3A1 gene, results from a C to T substitution at nucleotide position 706. The proline at codon 236 is replaced by serine, an amino acid with some similar properties. This variant was previously reported in the SNPDatabase as rs771858477. Based on data from ExAC, the T allele has an overall frequency of <0.01% (3/105680). This amino acid position is well conserved in available vertebrate species; however, serine is the reference amino acid in other vertebrate species. In addition, the in silico prediction for this alteration is inconclusive. Since supporting evidence is limited at this time, the clinical significance of this variant remains unclear.

GeneDx
Classification: Uncertain significance. Last evaluated: 2013-10-17. Review status: criteria provided, single submitter. Criteria: GeneDx Variant Classification (06012015). Collection method: clinical testing. Allele origin: germline. Affected: yes.
Comment: Pro236Ser (CCC>TCC): c.706 C>T in exon 9 of the COL3A1 gene (NM_000090.3). The Pro236Ser variant in the COL3A1 gene has not been reported as a disease-causing mutation or as a benign polymorphism to our knowledge. Pro236Ser results in a non-conservative amino acid substitution of a non-polar Proline with a neutral, polar Serine at a position that is conserved in mammals. The Pro236Ser variant was not observed in approximately 6,500 individuals of European and African American ancestry in the NHLBI Exome Sequencing Project, indicating it is not a common benign variant in these populations. Mutations in nearby residues have been reported in association with Ehlers-Danlos syndrome (EDS), however, the majority of disease-causing missense mutations in the COL3A1 gene are Glycine substitutions in the Gly-X-Y repeats. Also, in silico analysis predicts Pro236Ser is benign to the protein structure/function. With the clinical and molecular information available at this time, we cannot definitively determine if Pro236Ser is a disease-causing mutation or a rare benign variant. At least 95% of patients with autosomal dominant Ehlers-Danlos syndrome type IV have been reported to have a mutation in the COL3A1 gene (Pepin M et al., 2011). The variant is found in TAAD panel(s).

NM_000090.4(COL3A1):c.706C>T (p.Pro236Ser)

Gene: COL3A1 (collagen type III alpha 1 chain; plus strand). Cytogenetic location: 2q32.2.
Variant type: single nucleotide variant.
Coding change: c.706C>T on transcript NM_000090.4 (MANE Select); coding-DNA position 706, C replaced by T.
Protein change: p.Pro236Ser; replaces proline 236 with serine.
Molecular consequence: missense variant.
Genome position (GRCh38, 1-based): chr2:188,990,111, C>T. VCF-style: chr2-188990111-C-T. GRCh37 (hg19) VCF-style: chr2-189854837-C-T.
Other names: p.P236S:CCC>TCC; short protein forms P236S.
Identifiers: ClinVar variation 199713 (VCV000199713.20), dbSNP rs771858477, ClinGen allele CA007305.